The following is an entry in ClinVar:

NM_032444.4(SLX4):c.1373A>G (p.Lys458Arg)

Gene: SLX4 (SLX4 structure-specific endonuclease subunit; minus strand). Cytogenetic location: 16p13.3.
Variant type: single nucleotide variant.
Coding change: c.1373A>G on transcript NM_032444.4 (MANE Select); coding-DNA position 1373, A replaced by G.
Protein change: p.Lys458Arg; replaces lysine 458 with arginine.
Molecular consequence: missense variant.
Genome position (GRCh38, 1-based): chr16:3,597,689, T>C on the plus strand (A>G on the coding strand, the complement: SLX4 is on the minus strand). VCF-style: chr16-3597689-T-C. GRCh37 (hg19) VCF-style: chr16-3647690-T-C.
Other names: short protein forms K458R.
Identifiers: ClinVar variation 2043055 (VCV002043055.5), dbSNP rs2548219212, ClinGen allele CA394529204.

ClinVar aggregate classification (germline): Uncertain significance. Review status: criteria provided, multiple submitters, no conflicts (2 of 4 stars). 2 submissions from 2 submitters: Uncertain significance (2). Last evaluated 2024-06-18.

Conditions:
Fanconi anemia complementation group P. Also called: SLX4-Related Fanconi Anemia. Identifiers: Orphanet 84, MedGen C3469542, MONDO:0013499, OMIM 613951.
Fanconi anemia (FA). Also called: Fanconi's anemia. Identifiers: Orphanet 84, MedGen C0015625, MeSH D005199, MONDO:0019391.

Submissions (2):

Fulgent Genetics
Classification: Uncertain significance for Fanconi anemia complementation group P. Last evaluated: 2024-06-18. Review status: criteria provided, single submitter. Criteria: ACMG Guidelines, 2015. Collection method: clinical testing. Allele origin: germline.

Labcorp Genetics (formerly Invitae), Labcorp
Classification: Uncertain significance for Fanconi anemia. Last evaluated: 2022-04-08. Review status: criteria provided, single submitter. Criteria: Invitae Variant Classification Sherloc (09022015). Collection method: clinical testing. Allele origin: germline.
Comment: In summary, the available evidence is currently insufficient to determine the role of this variant in disease. Therefore, it has been classified as a Variant of Uncertain Significance. Algorithms developed to predict the effect of missense changes on protein structure and function output the following: SIFT: "Deleterious"; PolyPhen-2: "Probably Damaging"; Align-GVGD: "Class C0". The arginine amino acid residue is found in multiple mammalian species, which suggests that this missense change does not adversely affect protein function. This variant has not been reported in the literature in individuals affected with SLX4-related conditions. This variant is not present in population databases (gnomAD no frequency). This sequence change replaces lysine, which is basic and polar, with arginine, which is basic and polar, at codon 458 of the SLX4 protein (p.Lys458Arg).